The following is an entry in ClinVar:

ClinVar aggregate classification (germline): Uncertain significance (1 of 4 stars; one submission).

Submission:

GeneDx
Classification: Uncertain significance. Last evaluated: 2022-04-14. Review status: criteria provided, single submitter. Criteria: GeneDx Variant Classification Process June 2021. Collection method: clinical testing. Allele origin: germline. Affected: yes.
Comment: Not observed at significant frequency in large population cohorts (gnomAD); In silico analysis supports that this missense variant does not alter protein structure/function; Has not been previously published as pathogenic or benign to our knowledge

NM_001007553.3(CSDE1):c.1-1767A>G

Gene: CSDE1 (cold shock domain containing E1; minus strand). Cytogenetic location: 1p13.2.
Variant type: single nucleotide variant.
Coding change: c.1-1767A>G on transcript NM_001007553.3 (MANE Select); 1767 bases into the intron before coding-DNA position 1, A replaced by G.
Molecular consequence: intron variant. On other transcripts: missense variant (2).
Genome position (GRCh38, 1-based): chr1:114,741,657, T>C on the plus strand (A>G on the coding strand, the complement: CSDE1 is on the minus strand). VCF-style: chr1-114741657-T-C. GRCh37 (hg19) VCF-style: chr1-115284278-T-C.
Other names: c.8A>G, p.Asn3Ser (NM_001130523.3, NM_001242891.2); c.1-1767A>G (NM_001242893.2, NM_001242892.2, NM_007158.6); short protein forms N3S.
Identifiers: ClinVar variation 1710812 (VCV001710812.2), dbSNP rs2524847552, ClinGen allele CA341760823.